The following is an entry in ClinVar:

ClinVar aggregate classification (germline): Likely benign. Review status: criteria provided, multiple submitters, no conflicts (2 of 4 stars). 2 submissions from 2 submitters: Likely benign (2). Last evaluated 2016-05-12.

Allele frequency attached by ClinVar (database versions not stated): gnomAD exomes 0.00137 and 0.00946; gnomAD 0.00585 and 0.00605; 1000 Genomes Project 30x 0.00859; ExAC 0.01158; 1000 Genomes Project 0.01238; ESP Exome Variant Server 0.01786.
gnomAD v4.1: 2,648 of 1,521,062 alleles (0.17%); highest among the groups gnomAD compares: African/African-American, 1.8%; 99 homozygotes.

Submissions (2):

Center for Pediatric Genomic Medicine, Children's Mercy Hospital and Clinics
Classification: Likely benign. Last evaluated: 2016-05-12. Review status: criteria provided, single submitter. Criteria: ACMG Guidelines, 2015. Collection method: clinical testing. Allele origin: germline.
ClinVar note: Converted during submission from Likely Benign to Likely benign.

Breakthrough Genomics
Classification: Likely benign. Review status: criteria provided, single submitter. Criteria: ACMG Guidelines, 2015. Collection method: not provided. Allele origin: germline. Inheritance: Autosomal recessive inheritance. Affected: yes.

NM_198688.3(KRTAP10-6):c.107A>C (p.Asp36Ala)

Genes: KRTAP10-6 (keratin associated protein 10-6; minus strand), TSPEAR (thrombospondin type laminin G domain and EAR repeats; minus strand). Cytogenetic location: 21q22.3.
Variant type: single nucleotide variant.
Coding change: c.107A>C on transcript NM_198688.3 (MANE Select); coding-DNA position 107, A replaced by C.
Protein change: p.Asp36Ala; replaces aspartic acid 36 with alanine.
Molecular consequence: missense variant. On other transcripts: intron variant (2).
Genome position (GRCh38, 1-based): chr21:44,592,378, T>G on the plus strand (A>C on the coding strand, the complement: KRTAP10-6 is on the minus strand). VCF-style: chr21-44592378-T-G. GRCh37 (hg19) VCF-style: chr21-46012259-T-G.
Other names: c.83-24373A>C (NM_144991.3); c.-122-24373A>C (NM_001272037.2); short protein forms D36A.
Identifiers: ClinVar variation 235482 (VCV000235482.5), dbSNP rs201362069, ClinGen allele CA10059280.